The following is an entry in ClinVar:

NM_018192.4(P3H2):c.751T>C (p.Cys251Arg)

Gene: P3H2 (prolyl 3-hydroxylase 2; minus strand). Cytogenetic location: 3q28.
Variant type: single nucleotide variant.
Coding change: c.751T>C on transcript NM_018192.4 (MANE Select); coding-DNA position 751, T replaced by C.
Protein change: p.Cys251Arg; replaces cysteine 251 with arginine.
Molecular consequence: missense variant.
Genome position (GRCh38, 1-based): chr3:189,994,166, A>G on the plus strand (T>C on the coding strand, the complement: P3H2 is on the minus strand). VCF-style: chr3-189994166-A-G. GRCh37 (hg19) VCF-style: chr3-189711955-A-G.
Other names: c.208T>C, p.Cys70Arg (NM_001134418.2); short protein forms C70R, C251R.
Identifiers: ClinVar variation 2000803 (VCV002000803.4), dbSNP rs562674418, ClinGen allele CA2753226.

ClinVar aggregate classification (germline): Uncertain significance (1 of 4 stars; one submission).

Allele frequency attached by ClinVar (database versions not stated): gnomAD exomes below 0.00001; ExAC 0.00001; gnomAD 0.00001; 1000 Genomes Project 30x 0.00016; 1000 Genomes Project 0.00020.
gnomAD v4.1: 3 of 1,613,788 alleles (0.00019%); highest among the groups gnomAD compares: East Asian, 0.0022%; no homozygotes.

Submission:

Labcorp Genetics (formerly Invitae), Labcorp
Classification: Uncertain significance. Last evaluated: 2022-05-29. Review status: criteria provided, single submitter. Criteria: Invitae Variant Classification Sherloc (09022015). Collection method: clinical testing. Allele origin: germline.
Comment: In summary, the available evidence is currently insufficient to determine the role of this variant in disease. Therefore, it has been classified as a Variant of Uncertain Significance. Algorithms developed to predict the effect of missense changes on protein structure and function (SIFT, PolyPhen-2, Align-GVGD) all suggest that this variant is likely to be disruptive. This variant has not been reported in the literature in individuals affected with P3H2-related conditions. This variant is present in population databases (rs562674418, gnomAD 0.0009%). This sequence change replaces cysteine, which is neutral and slightly polar, with arginine, which is basic and polar, at codon 251 of the P3H2 protein (p.Cys251Arg).